The following is an entry in ClinVar:

ClinVar aggregate classification (germline): Uncertain significance (1 of 4 stars; one submission).

Conditions:
Congenital disorder of glycosylation type 1E (CDG1E). Also called: CONGENITAL DISORDER OF GLYCOSYLATION, TYPE Ie; CDG Ie. Identifiers: Orphanet 79322, MedGen C1837396, MONDO:0012123, OMIM 608799.

Submission:

Labcorp Genetics (formerly Invitae), Labcorp
Classification: Uncertain significance for Congenital disorder of glycosylation type 1E. Last evaluated: 2021-10-08. Review status: criteria provided, single submitter. Criteria: Invitae Variant Classification Sherloc (09022015). Collection method: clinical testing. Allele origin: germline.
Comment: This sequence change replaces arginine with cysteine at codon 37 of the DPM1 protein (p.Arg37Cys). The arginine residue is moderately conserved and there is a large physicochemical difference between arginine and cysteine. This variant is not present in population databases (ExAC no frequency). This variant has not been reported in the literature in individuals affected with DPM1-related conditions. Algorithms developed to predict the effect of missense changes on protein structure and function are either unavailable or do not agree on the potential impact of this missense change (SIFT: "Deleterious"; PolyPhen-2: "Benign"; Align-GVGD: "Class C0"). In summary, the available evidence is currently insufficient to determine the role of this variant in disease. Therefore, it has been classified as a Variant of Uncertain Significance.

NM_003859.3(DPM1):c.109C>T (p.Arg37Cys)

Genes: DPM1 (dolichyl-phosphate mannosyltransferase subunit 1, catalytic; minus strand), LOC130066166 (ATAC-STARR-seq lymphoblastoid active region 18108; plus strand). Cytogenetic location: 20q13.13.
Variant type: single nucleotide variant.
Coding change: c.109C>T on transcript NM_003859.3 (MANE Select); coding-DNA position 109, C replaced by T.
Protein change: p.Arg37Cys; replaces arginine 37 with cysteine.
Molecular consequence: missense variant. On other transcripts: non-coding transcript variant (1).
Genome position (GRCh38, 1-based): chr20:50,958,415, G>A on the plus strand (C>T on the coding strand, the complement: DPM1 is on the minus strand). VCF-style: chr20-50958415-G-A. GRCh37 (hg19) VCF-style: chr20-49574952-G-A.
Other names: c.109C>T, p.Arg37Cys (NM_001317034.1, NM_001317035.1, NM_001317036.1); short protein forms R37C.
Identifiers: ClinVar variation 1401649 (VCV001401649.3), dbSNP rs369939483, ClinGen allele CA408980776.